The following is an entry in ClinVar:

NM_178857.6(RP1L1):c.328C>T (p.Pro110Ser)

Gene: RP1L1 (RP1 like 1). Cytogenetic location: 8p23.1.
Variant type: single nucleotide variant.
Coding change: c.328C>T on transcript NM_178857.6 (MANE Select); coding-DNA position 328, C replaced by T.
Protein change: p.Pro110Ser; replaces proline 110 with serine.
Molecular consequence: missense variant.
Genome position (GRCh38, 1-based): chr8:10,622,874, G>A on the plus strand (C>T on the coding strand, the complement: RP1L1 is on the minus strand). VCF-style: chr8-10622874-G-A. GRCh37 (hg19) VCF-style: chr8-10480384-G-A.
Other names: short protein forms P110S.
Identifiers: ClinVar variation 265995 (VCV000265995.15), dbSNP rs773440242, ClinGen allele CA4625757.
Genomic context (GRCh38, chr8:10,622,874, plus strand): 5'-GCAACTGCTGAGCAGTGGGGTTTCTCTCCTGTGGCCGGCCTGGTCCACTGGGGGTCTTGG[G>A]GGGCTTCTTATCAGAGCAGAGGTAGCAGCCTCCATCTTCCAGCTGCTCCAGGGCGCTGAG-3'
Protein context (NP_849188.4, residues 100-120): GCYLCSDKKP[Pro110Ser]KTPSGPGRPQ

ClinVar aggregate classification (germline): Conflicting classifications of pathogenicity. Review status: criteria provided, conflicting classifications (1 of 4 stars). 5 submissions from 5 submitters: Uncertain significance (1); Benign (1); Likely benign (2). 1 of the submissions does not count toward it. Last evaluated 2026-05-27.

Conditions:
RP1L1-related disorder. Also called: RP1L1-related condition.
Ulnar/fibula ray defect-brachydactyly syndrome. Also called: Ulnar/fibular ray defect and brachydactyly. Identifiers: Orphanet 52056, MedGen C1837830, MONDO:0012063, OMIM 608571.
Occult macular dystrophy (OCMD). Also called: OCCULT MACULAR DYSTROPHY, SUSCEPTIBILITY TO; OMD. Identifiers: Orphanet 247834, MedGen C3150833, MONDO:0013316, OMIM 613587, HP:0030636.

Allele frequency attached by ClinVar (database versions not stated): gnomAD 0.00004 and 0.00005; TOPMed 0.00013; ExAC 0.00019.

Submissions (5):

PreventionGenetics, part of Exact Sciences
Classification: Uncertain significance for RP1L1-related condition. Last evaluated: 2026-05-27. Review status: criteria provided, single submitter. Criteria: ACMG Guidelines, 2015. Collection method: clinical testing. Allele origin: germline.
Comment: The RP1L1 c.328C>T variant is predicted to result in the amino acid substitution p.Pro110Ser. To our knowledge, this variant has not been reported in individuals with RP1L1-related retinal disease. An alternate nucleotide change impacting the same amino acid position (p.Pro110Leu) has been reported in the heterozygous state in two individuals with inherited retinal disease (Davidson et al. 2013. PubMed ID: 23281133; Table S1, Lin et al. 2024. PubMed ID: 38219857). This variant is reported in 0.043% of alleles in individuals of Latino descent in gnomAD. At this time, the clinical significance of this variant is uncertain due to the absence of conclusive functional and genetic evidence.

Labcorp Genetics (formerly Invitae), Labcorp
Classification: Likely benign. Last evaluated: 2026-01-20. Review status: criteria provided, single submitter. Criteria: Invitae Variant Classification Sherloc (09022015). Collection method: clinical testing. Allele origin: germline.

Blueprint Genetics
Classification: Likely benign. Last evaluated: 2024-11-20. Review status: criteria provided, single submitter. Criteria: ACMG Guidelines, 2015. Collection method: clinical testing. Allele origin: germline.

Illumina Laboratory Services, Illumina
Classification: Benign for Occult macular dystrophy. Last evaluated: 2018-01-13. Review status: criteria provided, single submitter. Criteria: ICSL Variant Classification Criteria 13 December 2019. Collection method: clinical testing. Allele origin: germline.
Comment: This variant was observed in the ICSL laboratory as part of a predisposition screen in an ostensibly healthy population. It had not been previously curated by ICSL or reported in the Human Gene Mutation Database (HGMD: prior to June 1st, 2018), and was therefore a candidate for classification through an automated scoring system. Utilizing variant allele frequency, disease prevalence and penetrance estimates, and inheritance mode, an automated score was calculated to assess if this variant is too frequent to cause the disease. Based on the score and internal cut-off values, a variant classified as benign is not then subjected to further curation. The score for this variant resulted in a classification of benign for this disease.

Bioscientia Institut fuer Medizinische Diagnostik GmbH, Sonic Healthcare
Classification: Likely pathogenic for Ulnar/fibula ray defect-brachydactyly syndrome. Review status: no assertion criteria provided. Collection method: clinical testing. Allele origin: germline. Affected: yes. Not counted in ClinVar's aggregate classification.